The following is an entry in ClinVar:

NM_005263.5(GFI1):c.848C>A (p.Pro283His)

Gene: GFI1 (growth factor independent 1 transcriptional repressor; minus strand). Cytogenetic location: 1p22.1.
Variant type: single nucleotide variant.
Coding change: c.848C>A on transcript NM_005263.5 (MANE Select); coding-DNA position 848, C replaced by A.
Protein change: p.Pro283His; replaces proline 283 with histidine.
Molecular consequence: missense variant.
Genome position (GRCh38, 1-based): chr1:92,480,424, G>T on the plus strand (C>A on the coding strand, the complement: GFI1 is on the minus strand). VCF-style: chr1-92480424-G-T. GRCh37 (hg19) VCF-style: chr1-92945981-G-T.
Other names: c.848C>A, p.Pro283His (NM_001127215.3, NM_001127216.3); short protein forms P283H.
Identifiers: ClinVar variation 4671573 (VCV004671573.1).

ClinVar aggregate classification (germline): Uncertain significance (1 of 4 stars; one submission).

Submission:

Ambry Genetics
Classification: Uncertain significance. Last evaluated: 2025-10-14. Review status: criteria provided, single submitter. Criteria: Ambry Variant Classification Scheme 2023. Collection method: clinical testing. Allele origin: germline.
Comment: The p.P283H variant (also known as c.848C>A), located in coding exon 4 of the GFI1 gene, results from a C to A substitution at nucleotide position 848. The proline at codon 283 is replaced by histidine, an amino acid with similar properties. This amino acid position is conserved. In addition, the in silico prediction for this alteration is inconclusive. Based on the available evidence, the clinical significance of this variant remains unclear.